The following is an entry in ClinVar:

NM_152424.4(AMER1):c.376C>T (p.Gln126Ter)

Gene: AMER1 (APC membrane recruitment protein 1; minus strand). Cytogenetic location: Xq11.2.
Variant type: single nucleotide variant.
Coding change: c.376C>T on transcript NM_152424.4 (MANE Select); coding-DNA position 376, C replaced by T.
Protein change: p.Gln126Ter; replaces glutamine 126 with a stop codon.
Molecular consequence: nonsense.
Genome position (GRCh38, 1-based): chrX:64,192,911, G>A on the plus strand (C>T on the coding strand, the complement: AMER1 is on the minus strand). VCF-style: chrX-64192911-G-A. GRCh37 (hg19) VCF-style: chrX-63412791-G-A.
Other names: short protein forms Q126*.
Identifiers: ClinVar variation 1457341 (VCV001457341.6), dbSNP rs2147090682, ClinGen allele CA413311427.

ClinVar aggregate classification (germline): Pathogenic (1 of 4 stars; one submission).

Submission:

Labcorp Genetics (formerly Invitae), Labcorp
Classification: Pathogenic. Last evaluated: 2021-08-07. Review status: criteria provided, single submitter. Criteria: Invitae Variant Classification Sherloc (09022015). Collection method: clinical testing. Allele origin: germline.
Comment: This sequence change creates a premature translational stop signal (p.Gln126*) in the AMER1 gene. While this is not anticipated to result in nonsense mediated decay, it is expected to disrupt the last 1010 amino acid(s) of the AMER1 protein. This variant is not present in population databases (ExAC no frequency). This variant has not been reported in the literature in individuals affected with AMER1-related conditions. This variant disrupts a region of the AMER1 protein in which other variant(s) (p.Arg358*) have been determined to be pathogenic (PMID: 19079258). This suggests that this is a clinically significant region of the protein, and that variants that disrupt it are likely to be disease-causing. For these reasons, this variant has been classified as Pathogenic.

Literature cited by the submitters: PubMed 19079258.